The following is an entry in ClinVar:

ClinVar aggregate classification (germline): Conflicting classifications of pathogenicity. Review status: criteria provided, conflicting classifications (1 of 4 stars). 10 submissions from 10 submitters: Pathogenic (5); Likely pathogenic (2); Uncertain significance (2). 1 of the submissions does not count toward it. Last evaluated 2026-03-25.

Conditions:
Tooth agenesis, selective, 10 (STHAG10). Identifiers: MedGen C5774277, MONDO:0859339, OMIM 620173.
Autosomal recessive TSPEAR-related disorders.
TSPEAR-related disorder. Also called: TSPEAR-related condition.
Ectodermal dysplasia 14, hair/tooth type with or without hypohidrosis. Identifiers: Orphanet 685067, MedGen C4748560, MONDO:0032584, OMIM 618180.
Inborn genetic diseases. Identifiers: MedGen C0950123, MeSH D030342.

Allele frequency attached by ClinVar (database versions not stated): gnomAD 0.00012 and 0.00013; ESP Exome Variant Server 0.00015; TOPMed 0.00018; gnomAD exomes 0.00034; 1000 Genomes Project 30x 0.00047; ExAC 0.00053; 1000 Genomes Project 0.00060.
gnomAD v4.1: 397 of 1,614,046 alleles (0.025%); highest among the groups gnomAD compares: Non-Finnish European, 0.031%; no homozygotes.

Submissions (10):

PreventionGenetics, part of Exact Sciences
Classification: Likely pathogenic for TSPEAR-related condition. Last evaluated: 2026-03-25. Review status: criteria provided, single submitter. Criteria: ACMG Guidelines, 2015. Collection method: clinical testing. Allele origin: germline.
Comment: The TSPEAR c.1528C>T variant is predicted to result in premature protein termination (p.Arg510*). This variant was reported in the compound heterozygous state along with a missense variant in an individual with nonsyndromic oligodontia (Song et al. 2020. PubMed ID: 32112661). This variant is reported in 0.065% of alleles in individuals of European (Non-Finnish) descent in gnomAD. Nonsense variants in TSPEAR are expected to be pathogenic. This variant is interpreted as likely pathogenic.

Labcorp Genetics (formerly Invitae), Labcorp
Classification: Pathogenic. Last evaluated: 2026-01-24. Review status: criteria provided, single submitter. Criteria: Invitae Variant Classification Sherloc (09022015). Collection method: clinical testing. Allele origin: germline.
Comment: This sequence change creates a premature translational stop signal (p.Arg510*) in the TSPEAR gene. It is expected to result in an absent or disrupted protein product. Loss-of-function variants in TSPEAR are known to be pathogenic (PMID: 34042254). This variant is present in population databases (rs201663789, gnomAD 0.06%). This premature translational stop signal has been observed in individual(s) with clinical features of ectodermal dysplasia and/or non-syndromic oligodontia (PMID: 32112661; internal data). ClinVar contains an entry for this variant (Variation ID: 504870). For these reasons, this variant has been classified as Pathogenic.

Variantyx, Inc.
Classification: Pathogenic for Autosomal recessive TSPEAR-related disorders. Last evaluated: 2025-12-10. Review status: criteria provided, single submitter. Criteria: Variantyx Assertion Criteria 2022. Collection method: clinical testing. Allele origin: germline. Inheritance: Autosomal recessive inheritance. Affected: no.
Comment: This is a nonsense variant in the TSPEAR gene (OMIM: 612920). Pathogenic variants in this gene have been associated with autosomal recessive TSPEAR-related disorders. This variant introduces a premature termination codon in exon 9 out of 12 and is expected to result in loss of function, which is a known disease mechanism for TSPEAR in this disorder (PVS1). This variant has been identified in the homozygous or compound heterozygous state in, at least one individual reported in the published literature (PMID: 32112661) (PM3). It has a 0.0307% maximum allele frequency in non-founder control populations (PM2). Based on the current evidence, this variant is classified as pathogenic for autosomal recessive TSPEAR-related disorders.

Centre for Clinical Genetics and Genomic Diagnostics, Zealand University Hospital
Classification: Pathogenic. Last evaluated: 2024-12-19. Review status: criteria provided, single submitter. Criteria: ACMG Guidelines, 2015. Collection method: clinical testing. Allele origin: germline. Affected: yes.
Comment: Compound heterozygous

Clinical Genetics and Genomics, Karolinska University Hospital
Classification: Pathogenic for Ectodermal dysplasia 14, hair/tooth type with or without hypohidrosis. Last evaluated: 2024-01-29. Review status: criteria provided, single submitter. Criteria: Strehlow et al. (Brain. 2019). Collection method: clinical testing. Allele origin: germline. Inheritance: Autosomal recessive inheritance. Affected: yes.

Department of Pathology and Laboratory Medicine, Sinai Health System
Classification: Likely pathogenic for Ectodermal dysplasia 14, hair/tooth type with or without hypohidrosis. Last evaluated: 2023-01-05. Review status: criteria provided, single submitter. Criteria: ACMG Guidelines, 2015. Collection method: research. Allele origin: germline.

Victorian Clinical Genetics Services, Murdoch Childrens Research Institute
Classification: Pathogenic for Ectodermal dysplasia 14, hair/tooth type with or without hypohidrosis. Last evaluated: 2020-06-11. Review status: criteria provided, single submitter. Criteria: ACMG Guidelines, 2015. Collection method: clinical testing. Allele origin: germline. Inheritance: Autosomal recessive inheritance. Affected: yes.
Comment: Based on the classification scheme VCGS_Germline_v1.1.1, this variant is classified as Pathogenic. Following criteria are met: 0102 - Loss-of-function is a known mechanism of disease for this gene. (N) 0106 - This gene is known to be associated with autosomal recessive disease. (N) 0201 - Variant is predicted to cause nonsense-mediated decay (NMD) and loss of protein (exon 9 of 12). (P) 0251 - Variant is heterozygous. (N) 0304 - Variant is present in gnomAD <0.01 for a recessive condition (92 heterozygotes, 0 homozygotes). (P) 0507 - Identified variant type is not compatible with in silico predictions of pathogenicity. (N) 0703 - Comparable variants have moderate previous evidence for pathogenicity (ClinVar; PMID:27736875). (P) 0803 - Low previous evidence of pathogenicity in unrelated individual(s). This variant has been reported as compound heterozygous in a patient with non-syndromic oligodontia (PMID:32112661). It has also been reported as a variant of uncertain significance in ClinVar. (P) 0905 - No segregation evidence has been identified for this variant. (N) 1007 - No published functional evidence has been identified for this variant. (N) Legend: (P) - Pathogenic, (N) - Neutral, (B) - Benign

Ambry Genetics
Classification: Uncertain significance for Inborn genetic diseases. Last evaluated: 2018-08-16. Review status: criteria provided, single submitter. Criteria: Ambry exome assertion method (8-5-2015). Collection method: clinical testing. Allele origin: germline. Affected: yes. Observed: 1 variant allele.

Laboratory for Molecular Medicine, Mass General Brigham Personalized Medicine
Classification: Uncertain significance. Last evaluated: 2017-05-02. Review status: criteria provided, single submitter. Criteria: LMM Criteria. Collection method: clinical testing. Allele origin: germline. Observed: 1 variant allele.
Comment: The p.Arg510X variant in TSPEAR has not been previously reported in individuals with hearing loss, but has been identified in 82/126654 of European chromosomes by the Genome Aggregation Database (gnomAD; db SNP rs201663789). Although this variant has been seen in the general population, its frequency is not high enough to rule out a pathogenic role. This nonsense v ariant leads to a premature termination codon at position 510, which is predicte d to lead to a truncated or absent protein. Truncating variants have been previo usly reported in two probands with hearing loss and segregated in two affected s iblings in one family (Delmaghani 2012, Sloan-Heggen 2016). However, a recent st udy has also associated truncating variants in TSPEAR, including the same varian t previously reported by Delmaghani et al, with autosomal recessive ectodermal d ysplasia without hearing loss (Peled 2016). Therefore, additional information i s needed to determine the gene-disease association and the disease mechanism. In summary, because the gene-disease association is unclear, the clinical signific ance of this variant is uncertain.

OMIM
Classification: Pathogenic for TOOTH AGENESIS, SELECTIVE, 10. Last evaluated: 2022-12-20. Review status: no assertion criteria provided. Collection method: literature only. Allele origin: germline. Not counted in ClinVar's aggregate classification.

Literature cited by the submitters: PubMed 34042254 (cited by Labcorp Genetics (formerly Invitae), Labcorp); PubMed 32112661 (cited by 4 submitters); PubMed 27736875 (cited by Victorian Clinical Genetics Services, Murdoch Childrens Research Institute and Laboratory for Molecular Medicine, Mass General Brigham Personalized Medicine); PubMed 22678063 (cited by Ambry Genetics and Laboratory for Molecular Medicine, Mass General Brigham Personalized Medicine).

NM_144991.3(TSPEAR):c.1528C>T (p.Arg510Ter)

Gene: TSPEAR (thrombospondin type laminin G domain and EAR repeats; minus strand). Cytogenetic location: 21q22.3.
Variant type: single nucleotide variant.
Coding change: c.1528C>T on transcript NM_144991.3 (MANE Select); coding-DNA position 1528, C replaced by T.
Protein change: p.Arg510Ter; replaces arginine 510 with a stop codon.
Molecular consequence: nonsense.
Genome position (GRCh38, 1-based): chr21:44,521,921, G>A on the plus strand (C>T on the coding strand, the complement: TSPEAR is on the minus strand). VCF-style: chr21-44521921-G-A. GRCh37 (hg19) VCF-style: chr21-45941804-G-A.
Other names: c.1324C>T, p.Arg442Ter (NM_001272037.2); short protein forms R510*, R442*.
Identifiers: ClinVar variation 504870 (VCV000504870.19), dbSNP rs201663789, ClinGen allele CA10056546.